The following is an entry in ClinVar:

NM_001374828.1(ARID1B):c.4058+1G>A

Gene: ARID1B (AT-rich interaction domain 1B; plus strand). Cytogenetic location: 6q25.3.
Variant type: single nucleotide variant.
Coding change: c.4058+1G>A on transcript NM_001374828.1 (MANE Select); the canonical splice donor site of the intron after coding-DNA position 4058, G replaced by A.
Molecular consequence: splice donor variant.
Genome position (GRCh38, 1-based): chr6:157,189,781, G>A. VCF-style: chr6-157189781-G-A. GRCh37 (hg19) VCF-style: chr6-157510915-G-A.
Other names: c.3689+1G>A (NM_020732.3); c.3938+1G>A (NM_001371656.1, NM_001374820.1); c.3899+1G>A (NM_017519.3); c.1559+1G>A (NM_001363725.2).
Identifiers: ClinVar variation 2231541 (VCV002231541.2), dbSNP rs1057518691, ClinGen allele CA366234453.

ClinVar aggregate classification (germline): Pathogenic (1 of 4 stars; one submission).

Conditions:
Inborn genetic diseases. Identifiers: MedGen C0950123, MeSH D030342.

Submission:

Ambry Genetics
Classification: Pathogenic for Inborn genetic diseases. Last evaluated: 2021-06-10. Review status: criteria provided, single submitter. Criteria: Ambry Variant Classification Scheme 2023. Collection method: clinical testing. Allele origin: germline.
Comment: The c.3689+1G>A intronic variant results from a G to A substitution one nucleotide after coding exon 14 of the ARID1B gene. Alterations that disrupt the canonical splice site are expected to cause aberrant splicing, resulting in an abnormal protein or a transcript that is subject to nonsense-mediated mRNA decay. Based on data from the Genome Aggregation Database (gnomAD), the ARID1B c.3689+1G>A alteration was not observed, with coverage at this position. An alteration affecting the same nucleotide, c.3689+1G>C, was reported in a patient with Coffin-Siris syndrome. The patient had global developmental delay, failure to thrive, acute encephalopathy with hypoglycemia, and metabolic acidosis (Al-Shamis, 2016). This nucleotide position is highly conserved in available vertebrate species. In silico splice site analysis predicts that this alteration will weaken the native splice donor site. Based on the available evidence, this alteration is classified as pathogenic.

Literature cited by the submitters: PubMed 27391121.